The following is an entry in ClinVar:

ClinVar aggregate classification (germline): Uncertain significance (1 of 4 stars; one submission).

Conditions:
Epidermodysplasia verruciformis. Identifiers: Orphanet 302, MedGen C0014522, MONDO:0009176.

gnomAD v4.1: 29 of 1,613,506 alleles (0.0018%); highest among the groups gnomAD compares: Non-Finnish European, 0.0024%; no homozygotes.

Submission:

Labcorp Genetics (formerly Invitae), Labcorp
Classification: Uncertain significance for Epidermodysplasia verruciformis. Last evaluated: 2024-05-24. Review status: criteria provided, single submitter. Criteria: Invitae Variant Classification Sherloc (09022015). Collection method: clinical testing. Allele origin: germline.
Comment: This sequence change replaces glycine, which is neutral and non-polar, with aspartic acid, which is acidic and polar, at codon 745 of the TMC6 protein (p.Gly745Asp). This variant is not present in population databases (gnomAD no frequency). This variant has not been reported in the literature in individuals affected with TMC6-related conditions. An algorithm developed to predict the effect of missense changes on protein structure and function (PolyPhen-2) suggests that this variant is likely to be disruptive. In summary, the available evidence is currently insufficient to determine the role of this variant in disease. Therefore, it has been classified as a Variant of Uncertain Significance.

NM_001127198.5(TMC6):c.2234G>A (p.Gly745Asp)

Gene: TMC6 (transmembrane channel like 6; minus strand). Cytogenetic location: 17q25.3.
Variant type: single nucleotide variant.
Coding change: c.2234G>A on transcript NM_001127198.5 (MANE Select); coding-DNA position 2234, G replaced by A.
Protein change: p.Gly745Asp; replaces glycine 745 with aspartic acid.
Molecular consequence: missense variant. On other transcripts: non-coding transcript variant (4).
Genome position (GRCh38, 1-based): chr17:78,117,312, C>T on the plus strand (G>A on the coding strand, the complement: TMC6 is on the minus strand). VCF-style: chr17-78117312-C-T. GRCh37 (hg19) VCF-style: chr17-76113393-C-T.
Other names: c.2234G>A, p.Gly745Asp (NM_007267.7, NM_001321185.1, NM_001374596.1 and 2 more transcripts); c.2054G>A, p.Gly685Asp (NM_001374593.1, NM_001374594.1); short protein forms G745D, G685D.
Identifiers: ClinVar variation 3713022 (VCV003713022.2).
Genomic context (GRCh38, chr17:78,117,312, plus strand): 5'-CCAGGAGGGGCACTCACATTGCTGATCTGCTCCTTGAGCAGGCAGATGACCTTGCGCTGG[C>T]CCCGCACCACCTGGATGTTGAGGTAGATCACGGCCCTGCGGGAGAGGGGCTGTCGGGCAG-3'
Protein context (NP_001120670.1, residues 735-755): VIYLNIQVVR[Gly745Asp]QRKVICLLKE